The following is an entry in ClinVar:

ClinVar aggregate classification (germline): Uncertain significance. Review status: criteria provided, multiple submitters, no conflicts (2 of 4 stars). 2 submissions from 2 submitters: Uncertain significance (2). Last evaluated 2026-03-01.

Conditions:
Tuberous sclerosis 1 (TSC1). Identifiers: Orphanet 805, MedGen C1854465, MONDO:0008612, OMIM 191100.
Hereditary cancer-predisposing syndrome. Also called: Neoplastic Syndromes, Hereditary; Tumor predisposition; Hereditary neoplastic syndrome; Hereditary Cancer Syndrome. Identifiers: Orphanet 140162, MedGen C0027672, MeSH D009386, MONDO:0015356.

Submissions (2):

Ambry Genetics
Classification: Uncertain significance for Hereditary cancer-predisposing syndrome. Last evaluated: 2026-03-01. Review status: criteria provided, single submitter. Criteria: Ambry Variant Classification Scheme 2023. Collection method: clinical testing. Allele origin: germline.
Comment: The p.L330M variant (also known as c.988C>A), located in coding exon 8 of the TSC1 gene, results from a C to A substitution at nucleotide position 988. The leucine at codon 330 is replaced by methionine, an amino acid with highly similar properties. This amino acid position is conserved. In addition, the in silico prediction for this alteration is inconclusive. Based on the available evidence, the clinical significance of this variant remains unclear.

Labcorp Genetics (formerly Invitae), Labcorp
Classification: Uncertain significance for Tuberous sclerosis 1. Last evaluated: 2016-12-19. Review status: criteria provided, single submitter. Criteria: Invitae Variant Classification Sherloc (09022015). Collection method: clinical testing. Allele origin: germline.
Comment: This sequence change replaces leucine with methionine at codon 330 of the TSC1 protein (p.Leu330Met). The leucine residue is highly conserved and there is a small physicochemical difference between leucine and methionine. This variant is not present in population databases (ExAC no frequency) and has not been reported in the literature in individuals with a TSC1-related disease. In summary, this variant is a novel missense change with uncertain impact on protein function. It has been classified as a Variant of Uncertain Significance. Algorithms developed to predict the effect of missense changes on protein structure and function do not agree on the potential impact of this missense change (SIFT: "Tolerated"; PolyPhen-2: "Possibly Damaging"; Align-GVGD: "Class C0").

NM_000368.5(TSC1):c.988C>A (p.Leu330Met)

Gene: TSC1 (TSC complex subunit 1; minus strand). Cytogenetic location: 9q34.13.
Variant type: single nucleotide variant.
Coding change: c.988C>A on transcript NM_000368.5 (MANE Select); coding-DNA position 988, C replaced by A.
Protein change: p.Leu330Met; replaces leucine 330 with methionine.
Molecular consequence: missense variant.
Genome position (GRCh38, 1-based): chr9:132,911,494, G>T on the plus strand (C>A on the coding strand, the complement: TSC1 is on the minus strand). VCF-style: chr9-132911494-G-T. GRCh37 (hg19) VCF-style: chr9-135786881-G-T.
Other names: c.988C>A, p.Leu330Met (NM_001162426.2); c.835C>A, p.Leu279Met (NM_001162427.2); c.625C>A, p.Leu209Met (NM_001362177.2); short protein forms L330M, L209M, L279M.
Identifiers: ClinVar variation 411274 (VCV000411274.9), dbSNP rs1060503222, ClinGen allele CA16612774.